The following is an entry in ClinVar:

NM_152383.5(DIS3L2):c.1015G>C (p.Glu339Gln)

Gene: DIS3L2 (DIS3 like 3'-5' exoribonuclease 2; plus strand). Cytogenetic location: 2q37.1.
Variant type: single nucleotide variant.
Coding change: c.1015G>C on transcript NM_152383.5 (MANE Select); coding-DNA position 1015, G replaced by C.
Protein change: p.Glu339Gln; replaces glutamic acid 339 with glutamine.
Molecular consequence: missense variant. On other transcripts: non-coding transcript variant (2).
Genome position (GRCh38, 1-based): chr2:232,163,523, G>C. VCF-style: chr2-232163523-G-C. GRCh37 (hg19) VCF-style: chr2-233028233-G-C.
Other names: c.1015G>C, p.Glu339Gln (NM_001257281.2); short protein forms E339Q.
Identifiers: ClinVar variation 2141194 (VCV002141194.4), dbSNP rs2469895561, ClinGen allele CA351154293.
Genomic context (GRCh38, chr2:232,163,523, plus strand): 5'-CTGGCTAAGAGTCTTGGGCAGGCTGGTGAAATTGAGCCTGAAACAGAAGGAATACTAACA[G>C]AGTATGGCGTGGATTTCTCTGATTTCTCTTCAGAAGTTCTAGAATGTCTTCCTCAAGGCC-3'
Protein context (NP_689596.4, residues 329-349): IEPETEGILT[Glu339Gln]YGVDFSDFSS

ClinVar aggregate classification (germline): Uncertain significance (1 of 4 stars; one submission).

Conditions:
Perlman syndrome (PRLMNS). Identifiers: Orphanet 2849, MedGen C0796113, MONDO:0009965, OMIM 267000.

Allele frequency attached by ClinVar (database versions not stated): gnomAD exomes below 0.00001.
gnomAD v4.1: 1 of 1,614,216 alleles (0.000062%); highest among the groups gnomAD compares: Non-Finnish European, 0.000085%; no homozygotes.

Submission:

Labcorp Genetics (formerly Invitae), Labcorp
Classification: Uncertain significance for Perlman syndrome. Last evaluated: 2022-04-16. Review status: criteria provided, single submitter. Criteria: Invitae Variant Classification Sherloc (09022015). Collection method: clinical testing. Allele origin: germline.
Comment: This variant is not present in population databases (gnomAD no frequency). This variant has not been reported in the literature in individuals affected with DIS3L2-related conditions. Algorithms developed to predict the effect of missense changes on protein structure and function are either unavailable or do not agree on the potential impact of this missense change (SIFT: "Deleterious"; PolyPhen-2: "Possibly Damaging"; Align-GVGD: "Class C0"). In summary, the available evidence is currently insufficient to determine the role of this variant in disease. Therefore, it has been classified as a Variant of Uncertain Significance. This sequence change replaces glutamic acid, which is acidic and polar, with glutamine, which is neutral and polar, at codon 339 of the DIS3L2 protein (p.Glu339Gln).